The following is an entry in ClinVar:

NM_033026.6(PCLO):c.12260G>C (p.Arg4087Pro)

Gene: PCLO (piccolo presynaptic cytomatrix protein; minus strand). Cytogenetic location: 7q21.11.
Variant type: single nucleotide variant.
Coding change: c.12260G>C on transcript NM_033026.6 (MANE Select); coding-DNA position 12260, G replaced by C.
Protein change: p.Arg4087Pro; replaces arginine 4087 with proline.
Molecular consequence: missense variant.
Genome position (GRCh38, 1-based): chr7:82,915,726, C>G on the plus strand (G>C on the coding strand, the complement: PCLO is on the minus strand). VCF-style: chr7-82915726-C-G. GRCh37 (hg19) VCF-style: chr7-82545042-C-G.
Other names: c.12260G>C, p.Arg4087Pro (NM_014510.3); short protein forms R4087P.
Identifiers: ClinVar variation 3029573 (VCV003029573.2), dbSNP rs200132299, ClinGen allele CA367889298.

ClinVar aggregate classification (germline): Uncertain significance (0 of 4 stars; one submission).

Conditions:
PCLO-related disorder. Also called: PCLO-related condition.

Submission:

PreventionGenetics, part of Exact Sciences
Classification: Uncertain significance for PCLO-related condition. Last evaluated: 2024-01-23. Review status: no assertion criteria provided. Collection method: clinical testing. Allele origin: germline.
Comment: The PCLO c.12260G>C variant is predicted to result in the amino acid substitution p.Arg4087Pro. To our knowledge, this variant has not been reported in the literature or in a large population database, indicating this variant is rare. At this time, the clinical significance of this variant is uncertain due to the absence of conclusive functional and genetic evidence.